The following is an entry in ClinVar:

NM_032119.4(ADGRV1):c.15059C>T (p.Thr5020Ile)

Gene: ADGRV1 (adhesion G protein-coupled receptor V1; plus strand). Cytogenetic location: 5q14.3.
Variant type: single nucleotide variant.
Coding change: c.15059C>T on transcript NM_032119.4 (MANE Select); coding-DNA position 15059, C replaced by T.
Protein change: p.Thr5020Ile; replaces threonine 5020 with isoleucine.
Molecular consequence: missense variant. On other transcripts: non-coding transcript variant (1).
Genome position (GRCh38, 1-based): chr5:90,810,319, C>T. VCF-style: chr5-90810319-C-T. GRCh37 (hg19) VCF-style: chr5-90106136-C-T.
Other names: short protein forms T5020I.
Identifiers: ClinVar variation 999336 (VCV000999336.8), dbSNP rs753667658, ClinGen allele CA360407352.

ClinVar aggregate classification (germline): Uncertain significance (1 of 4 stars; one submission).

Submission:

Labcorp Genetics (formerly Invitae), Labcorp
Classification: Uncertain significance. Last evaluated: 2022-07-26. Review status: criteria provided, single submitter. Criteria: Invitae Variant Classification Sherloc (09022015). Collection method: clinical testing. Allele origin: germline.
Comment: This sequence change replaces threonine, which is neutral and polar, with isoleucine, which is neutral and non-polar, at codon 5020 of the ADGRV1 protein (p.Thr5020Ile). This variant is not present in population databases (gnomAD no frequency). This variant has not been reported in the literature in individuals affected with ADGRV1-related conditions. ClinVar contains an entry for this variant (Variation ID: 999336). Algorithms developed to predict the effect of missense changes on protein structure and function output the following: SIFT: "Tolerated"; PolyPhen-2: "Benign"; Align-GVGD: "Class C0". The isoleucine amino acid residue is found in multiple mammalian species, which suggests that this missense change does not adversely affect protein function. In summary, the available evidence is currently insufficient to determine the role of this variant in disease. Therefore, it has been classified as a Variant of Uncertain Significance.